The following is an entry in ClinVar:

ClinVar aggregate classification (germline): Uncertain significance (1 of 4 stars; one submission).

Conditions:
Developmental and epileptic encephalopathy, 42 (DEE42A). Also called: Epileptic encephalopathy, early infantile, 42; DEVELOPMENTAL AND EPILEPTIC ENCEPHALOPATHY 42A; EPILEPTIC ENCEPHALOPATHY, EARLY INFANTILE, 42A. Identifiers: MedGen C4310716, MONDO:0014917, OMIM 617106.
Episodic ataxia type 2 (EA2). Also called: CEREBELLAR ATAXIA, PAROXYSMAL, ACETAZOLAMIDE-RESPONSIVE; CEREBELLOPATHY, HEREDITARY PAROXYSMAL; EPISODIC ATAXIA, NYSTAGMUS-ASSOCIATED; ATAXIA, EPISODIC, WITH NYSTAGMUS; ATAXIA, FAMILIAL PAROXYSMAL; ACETAZOLAMIDE-RESPONSIVE HEREDITARY PAROXYSMAL CEREBELLAR ATAXIA. Identifiers: Orphanet 97, MedGen C1720416, MONDO:0007163, OMIM 108500.

Allele frequency attached by ClinVar (database versions not stated): gnomAD 0.00001; gnomAD exomes 0.00001; TOPMed 0.00002.
gnomAD v4.1: 16 of 1,613,132 alleles (0.00099%); highest among the groups gnomAD compares: Admixed American, 0.0017%; no homozygotes.

Submission:

Labcorp Genetics (formerly Invitae), Labcorp
Classification: Uncertain significance for Developmental and epileptic encephalopathy, 42; Episodic ataxia type 2. Last evaluated: 2023-06-06. Review status: criteria provided, single submitter. Criteria: Invitae Variant Classification Sherloc (09022015). Collection method: clinical testing. Allele origin: germline.
Comment: This sequence change replaces arginine, which is basic and polar, with cysteine, which is neutral and slightly polar, at codon 832 of the CACNA1A protein (p.Arg832Cys). In summary, the available evidence is currently insufficient to determine the role of this variant in disease. Therefore, it has been classified as a Variant of Uncertain Significance. Advanced modeling of protein sequence and biophysical properties (such as structural, functional, and spatial information, amino acid conservation, physicochemical variation, residue mobility, and thermodynamic stability) performed at Invitae indicates that this missense variant is not expected to disrupt CACNA1A protein function. ClinVar contains an entry for this variant (Variation ID: 638902). This variant has not been reported in the literature in individuals affected with CACNA1A-related conditions. The frequency data for this variant in the population databases is considered unreliable, as metrics indicate poor data quality at this position in the gnomAD database.

NM_001127222.2(CACNA1A):c.2491C>T (p.Arg831Cys)

Gene: CACNA1A (calcium voltage-gated channel subunit alpha1 A; minus strand). Cytogenetic location: 19p13.13.
Variant type: single nucleotide variant.
Coding change: c.2491C>T on transcript NM_001127222.2 (MANE Select); coding-DNA position 2491, C replaced by T.
Protein change: p.Arg831Cys; replaces arginine 831 with cysteine.
Molecular consequence: missense variant.
Genome position (GRCh38, 1-based): chr19:13,299,142, G>A on the plus strand (C>T on the coding strand, the complement: CACNA1A is on the minus strand). VCF-style: chr19-13299142-G-A. GRCh37 (hg19) VCF-style: chr19-13409956-G-A.
Other names: c.2503C>T, p.Arg835Cys (NM_000068.4, NM_023035.3); c.2494C>T, p.Arg832Cys (NM_001127221.2, NM_001174080.2); short protein forms R835C, R831C, R832C.
Identifiers: ClinVar variation 638902 (VCV000638902.7), dbSNP rs1464680327, ClinGen allele CA404343336.